The following is an entry in ClinVar:

NM_002282.3(KRT83):c.1228A>G (p.Thr410Ala)

Gene: KRT83 (keratin 83; minus strand). Cytogenetic location: 12q13.13.
Variant type: single nucleotide variant.
Coding change: c.1228A>G on transcript NM_002282.3 (MANE Select); coding-DNA position 1228, A replaced by G.
Protein change: p.Thr410Ala; replaces threonine 410 with alanine.
Molecular consequence: missense variant.
Genome position (GRCh38, 1-based): chr12:52,315,927, T>C on the plus strand (A>G on the coding strand, the complement: KRT83 is on the minus strand). VCF-style: chr12-52315927-T-C. GRCh37 (hg19) VCF-style: chr12-52709711-T-C.
Other names: short protein forms T410A.
Identifiers: ClinVar variation 2020143 (VCV002020143.4), dbSNP rs2540553663, ClinGen allele CA384920306.

ClinVar aggregate classification (germline): Uncertain significance (1 of 4 stars; one submission).

Submission:

Labcorp Genetics (formerly Invitae), Labcorp
Classification: Uncertain significance. Last evaluated: 2023-05-22. Review status: criteria provided, single submitter. Criteria: Invitae Variant Classification Sherloc (09022015). Collection method: clinical testing. Allele origin: germline.
Comment: In summary, the available evidence is currently insufficient to determine the role of this variant in disease. Therefore, it has been classified as a Variant of Uncertain Significance. Advanced modeling of protein sequence and biophysical properties (such as structural, functional, and spatial information, amino acid conservation, physicochemical variation, residue mobility, and thermodynamic stability) performed at Invitae indicates that this missense variant is not expected to disrupt KRT83 protein function. ClinVar contains an entry for this variant (Variation ID: 2020143). This variant has not been reported in the literature in individuals affected with KRT83-related conditions. This variant is not present in population databases (gnomAD no frequency). This sequence change replaces threonine, which is neutral and polar, with alanine, which is neutral and non-polar, at codon 410 of the KRT83 protein (p.Thr410Ala).